The following is an entry in ClinVar:

ClinVar aggregate classification (germline): Uncertain significance (1 of 4 stars; one submission).

gnomAD v4.1: 38 of 1,614,144 alleles (0.0024%); highest among the groups gnomAD compares: Non-Finnish European, 0.0031%; no homozygotes.

Submission:

Labcorp Genetics (formerly Invitae), Labcorp
Classification: Uncertain significance. Last evaluated: 2025-07-21. Review status: criteria provided, single submitter. Criteria: Invitae Variant Classification Sherloc (09022015). Collection method: clinical testing. Allele origin: germline.
Comment: This sequence change replaces isoleucine, which is neutral and non-polar, with threonine, which is neutral and polar, at codon 615 of the ITGB3 protein (p.Ile615Thr). This variant is present in population databases (rs368080215, gnomAD 0.002%). This variant has not been reported in the literature in individuals affected with ITGB3-related conditions. ClinVar contains an entry for this variant (Variation ID: 3634218). Invitae Evidence Modeling of protein sequence and biophysical properties (such as structural, functional, and spatial information, amino acid conservation, physicochemical variation, residue mobility, and thermodynamic stability) indicates that this missense variant is not expected to disrupt ITGB3 protein function with a negative predictive value of 95%. In summary, the available evidence is currently insufficient to determine the role of this variant in disease. Therefore, it has been classified as a Variant of Uncertain Significance.

NM_000212.3(ITGB3):c.1844T>C (p.Ile615Thr)

Gene: ITGB3 (integrin subunit beta 3; plus strand). Cytogenetic location: 17q21.32.
Variant type: single nucleotide variant.
Coding change: c.1844T>C on transcript NM_000212.3 (MANE Select); coding-DNA position 1844, T replaced by C.
Protein change: p.Ile615Thr; replaces isoleucine 615 with threonine.
Molecular consequence: missense variant.
Genome position (GRCh38, 1-based): chr17:47,299,461, T>C. VCF-style: chr17-47299461-T-C. GRCh37 (hg19) VCF-style: chr17-45376827-T-C.
Other names: short protein forms I615T.
Identifiers: ClinVar variation 3634218 (VCV003634218.2).
Genomic context (GRCh38, chr17:47,299,461, plus strand): 5'-CCAGCAATGGGCTGCTGTGCAGCGGCCGCGGCAAGTGTGAATGTGGCAGCTGTGTCTGTA[T>C]CCAGCCGGGCTCCTATGGGGACACCTGTGAGAAGTGCCCCACCTGCCCAGATGCCTGCAC-3'
Protein context (NP_000203.2, residues 605-625): GKCECGSCVC[Ile615Thr]QPGSYGDTCE